The following is an entry in ClinVar:

ClinVar aggregate classification (germline): Uncertain significance (1 of 4 stars; one submission).

Allele frequency attached by ClinVar (database versions not stated): ExAC 0.00001.
gnomAD v4.1: 6 of 1,613,078 alleles (0.00037%); highest among the groups gnomAD compares: Admixed American, 0.0033%; no homozygotes.

Submission:

Labcorp Genetics (formerly Invitae), Labcorp
Classification: Uncertain significance. Last evaluated: 2025-10-01. Review status: criteria provided, single submitter. Criteria: Invitae Variant Classification Sherloc (09022015). Collection method: clinical testing. Allele origin: germline.
Comment: This sequence change replaces serine, which is neutral and polar, with cysteine, which is neutral and slightly polar, at codon 1587 of the MPDZ protein (p.Ser1587Cys). This variant is present in population databases (rs766156632, gnomAD 0.003%). This variant has not been reported in the literature in individuals affected with MPDZ-related conditions. ClinVar contains an entry for this variant (Variation ID: 1908277). An algorithm developed to predict the effect of missense changes on protein structure and function (PolyPhen-2) suggests that this variant is likely to be disruptive. In summary, the available evidence is currently insufficient to determine the role of this variant in disease. Therefore, it has been classified as a Variant of Uncertain Significance.

NM_001378778.1(MPDZ):c.4760C>G (p.Ser1587Cys)

Gene: MPDZ (multiple PDZ domain crumbs cell polarity complex component; minus strand). Cytogenetic location: 9p23.
Variant type: single nucleotide variant.
Coding change: c.4760C>G on transcript NM_001378778.1 (MANE Select); coding-DNA position 4760, C replaced by G.
Protein change: p.Ser1587Cys; replaces serine 1587 with cysteine.
Molecular consequence: missense variant.
Genome position (GRCh38, 1-based): chr9:13,125,263, G>C on the plus strand (C>G on the coding strand, the complement: MPDZ is on the minus strand). VCF-style: chr9-13125263-G-C. GRCh37 (hg19) VCF-style: chr9-13125262-G-C.
Other names: c.4661C>G, p.Ser1554Cys (NM_001261406.2, NM_001261407.2, NM_001375416.1 and 3 more transcripts); c.4760C>G, p.Ser1587Cys (NM_001330637.2, NM_003829.5); c.4859C>G, p.Ser1620Cys (NM_001375413.1); c.4550C>G, p.Ser1517Cys (NM_001375420.1, NM_001375421.1, NM_001375422.1 and 4 more transcripts); c.4352C>G, p.Ser1451Cys (NM_001375427.1); short protein forms S1554C, S1451C, S1587C, S1620C, S1517C.
Identifiers: ClinVar variation 1908277 (VCV001908277.5), dbSNP rs766156632, ClinGen allele CA4986588.